The following is an entry in ClinVar:

NM_000145.4(FSHR):c.-29G>A

Gene: FSHR (follicle stimulating hormone receptor; minus strand). Cytogenetic location: 2p16.3.
Variant type: single nucleotide variant.
Coding change: c.-29G>A on transcript NM_000145.4 (MANE Select); 29 bases upstream of the start codon, G replaced by A.
Molecular consequence: 5 prime UTR variant.
Genome position (GRCh38, 1-based): chr2:49,154,446, C>T on the plus strand (G>A on the coding strand, the complement: FSHR is on the minus strand). VCF-style: chr2-49154446-C-T. GRCh37 (hg19) VCF-style: chr2-49381585-C-T.
Other names: c.-29G>A (NM_181446.3).
Identifiers: ClinVar variation 137403 (VCV000137403.7), dbSNP rs1394205, ClinGen allele CA290966.

ClinVar aggregate classification (germline): Benign. Review status: criteria provided, multiple submitters, no conflicts (2 of 4 stars). 5 submissions from 4 submitters: Benign (5). Last evaluated 2017-04-27.

Conditions:
Ovarian hyperstimulation syndrome (OHSS). Also called: OVARIAN HYPERSTIMULATION SYNDROME, FAMILIAL GESTATIONAL SPONTANEOUS. Identifiers: Orphanet 64739, MedGen C0085083, MONDO:0011972, OMIM 608115.
Ovarian dysgenesis 1 (ODG1). Also called: GONADAL DYSGENESIS, XX TYPE; Gonadal dysgenesis XX type deafness; OVARIAN DYSGENESIS, HYPERGONADOTROPIC, AUTOSOMAL RECESSIVE; OVARIAN DYSGENESIS, HYPERGONADOTROPIC, WITH NORMAL KARYOTYPE; OVARIAN FAILURE, HYPERGONADOTROPIC. Identifiers: Orphanet 243, MedGen C0949595, MONDO:0024463, OMIM 233300.

Allele frequency attached by ClinVar (database versions not stated): ESP Exome Variant Server 0.25911; gnomAD 0.27960 and 0.28577; gnomAD exomes 0.28997 and 0.32167; TOPMed 0.29431; ExAC 0.31602; 1000 Genomes Project 30x 0.34072; 1000 Genomes Project 0.34505.
gnomAD v4.1: 466,025 of 1,609,736 alleles (29%); highest among the groups gnomAD compares: East Asian, 48%; 70,533 homozygotes.

Submissions (5):

Illumina Laboratory Services, Illumina
Classification: Benign for Ovarian dysgenesis 1. Last evaluated: 2017-04-27. Review status: criteria provided, single submitter. Criteria: ICSL Variant Classification Criteria 13 December 2019. Collection method: clinical testing. Allele origin: germline.
Comment: This variant was observed as part of a predisposition screen in an ostensibly healthy population. A literature search was performed for the gene, cDNA change, and amino acid change (where applicable). Publications were found based on this search. The evidence from the literature, in combination with allele frequency data from public databases where available, was sufficient to rule this variant out of causing disease. Therefore, this variant is classified as benign.

Illumina Laboratory Services, Illumina
Classification: Benign for Ovarian hyperstimulation syndrome. Last evaluated: 2017-04-27. Review status: criteria provided, single submitter. Criteria: ICSL Variant Classification Criteria 13 December 2019. Collection method: clinical testing. Allele origin: germline.
Comment: This variant was observed as part of a predisposition screen in an ostensibly healthy population. A literature search was performed for the gene, cDNA change, and amino acid change (where applicable). No publications were found based on this search. Allele frequency data from public databases was too high to be consistent with this variant causing disease. Therefore, this variant is classified as benign.

GeneDx
Classification: Benign. Last evaluated: 2014-03-20. Review status: criteria provided, single submitter. Criteria: GeneDx Variant Classification (06012015). Collection method: clinical testing. Allele origin: germline. Affected: yes.
Comment: This variant is considered likely benign or benign based on one or more of the following criteria: it is a conservative change, it occurs at a poorly conserved position in the protein, it is predicted to be benign by multiple in silico algorithms, and/or has population frequency not consistent with disease.

Breakthrough Genomics
Classification: Benign. Review status: criteria provided, single submitter. Criteria: ACMG Guidelines, 2015. Collection method: not provided. Allele origin: germline. Inheritance: Autosomal recessive inheritance. Affected: yes.

PreventionGenetics, part of Exact Sciences
Classification: Benign. Review status: criteria provided, single submitter. Criteria: ACMG Guidelines, 2015. Collection method: clinical testing. Allele origin: germline.

Literature cited by the submitters: PubMed 21752882 (cited by Illumina Laboratory Services, Illumina); PubMed 19400992 (cited by Illumina Laboratory Services, Illumina); PubMed 16084888 (cited by Illumina Laboratory Services, Illumina); PubMed 16864747 (cited by Illumina Laboratory Services, Illumina).